The following is an entry in ClinVar:

ClinVar aggregate classification (germline): Pathogenic (1 of 4 stars; one submission).

Conditions:
Encephalopathy due to mitochondrial and peroxisomal fission defect. Also called: Encephalopathy due to defective mitochondrial and peroxisomal fission. Identifiers: Orphanet 527276, MedGen C5681458, MONDO:0054865.

Submission:

Plataforma de Genómica Funcional - SJD, Institut De Recerca Sant Joan De Déu
Classification: Pathogenic for Encephalopathy due to mitochondrial and peroxisomal fission defect. Last evaluated: 2025-02-07. Review status: criteria provided, single submitter. Criteria: ACMG Guidelines, 2015. Collection method: clinical testing. Allele origin: de novo. Inheritance: Autosomal dominant inheritance. Affected: yes. Observed: 1 variant allele, 1 heterozygote.
Comment: The c.223A>G variant (NM_012062.3) in DNM1L is a missense variant predicted to cause an amino acid change of Lys by Glu at position 75 in the protein sequence (p.(Lys75Glu)). This variant is absent from population databases (gnomAD v2.1) (PM2_Supporting). The DNM1L has a missense Z-score in gnomAD v2.1 of 3,83, which is above the threshold set by the ClinGen SVI guidelines (PP2). This variant has been identified as a de novo with confirmed parental relationships in an individual with progressive spastic paraparesis (PS2; PMIDs: 33223419, Internal lab contributor). Functional studies performed in patient's fibroblasts showed an aberrant mitochondrial network adn mitochondrial oxidative stress, indicating that this variant impacts protein function (PS3; PMID: 33223419). In summary, this variant meets the criteria to be classified as Pathogenic based on the ACMG/AMP criteria applied.

Literature cited by the submitters: PubMed 33223419.

NM_012062.5(DNM1L):c.223A>G (p.Lys75Glu)

Gene: DNM1L (dynamin 1 like; plus strand). Cytogenetic location: 12p11.21.
Variant type: single nucleotide variant.
Coding change: c.223A>G on transcript NM_012062.5 (MANE Select); coding-DNA position 223, A replaced by G.
Protein change: p.Lys75Glu; replaces lysine 75 with glutamic acid.
Molecular consequence: missense variant.
Genome position (GRCh38, 1-based): chr12:32,701,535, A>G. VCF-style: chr12-32701535-A-G. GRCh37 (hg19) VCF-style: chr12-32854469-A-G.
Other names: c.223A>G, p.Lys75Glu (NM_001278463.2, NM_001278464.2, NM_001278465.2 and 3 more transcripts); c.18A>G, p.Ile6Met (NM_001278466.2); short protein forms I6M, K75E.
Identifiers: ClinVar variation 3770240 (VCV003770240.2).
Genomic context (GRCh38, chr12:32,701,535, plus strand): 5'-ACTGGAATTGTCACCCGGAGACCTCTCATTCTGCAACTGGTCCATGTTTCACAAGAAGAT[A>G]AACGGAAAACAACAGGAGAAGAAAATGGTAAATTTCAGATTTGAGATAATTATTTTACAG-3'
Protein context (NP_036192.2, residues 65-85): LQLVHVSQED[Lys75Glu]RKTTGEENGV